The following is an entry in ClinVar:

ClinVar aggregate classification (germline): Uncertain significance. Review status: criteria provided, multiple submitters, no conflicts (2 of 4 stars). 3 submissions from 3 submitters: Uncertain significance (3). Last evaluated 2024-05-07.

Conditions:
TH-deficient dopa-responsive dystonia. Also called: Tyrosine Hydroxylase-Deficient Dopa-Responsive Dystonia; Segawa syndrome, autosomal recessive; DYT-TH. Identifiers: Orphanet 101150, MedGen C2673535, MONDO:0011551, OMIM 605407.
Inborn genetic diseases. Identifiers: MedGen C0950123, MeSH D030342.

Allele frequency attached by ClinVar (database versions not stated): gnomAD 0.00001; gnomAD exomes 0.00002 and 0.00003; TOPMed 0.00002; ESP Exome Variant Server 0.00008.

Submissions (3):

GeneDx
Classification: Uncertain significance. Last evaluated: 2024-05-07. Review status: criteria provided, single submitter. Criteria: GeneDx Variant Classification Process June 2021. Collection method: clinical testing. Allele origin: germline. Affected: yes.
Comment: In silico analysis supports that this missense variant has a deleterious effect on protein structure/function; Has not been previously published as pathogenic or benign to our knowledge

Labcorp Genetics (formerly Invitae), Labcorp
Classification: Uncertain significance for TH-deficient dopa-responsive dystonia. Last evaluated: 2022-08-23. Review status: criteria provided, single submitter. Criteria: Invitae Variant Classification Sherloc (09022015). Collection method: clinical testing. Allele origin: germline.
Comment: This sequence change replaces aspartic acid, which is acidic and polar, with asparagine, which is neutral and polar, at codon 248 of the TH protein (p.Asp248Asn). The frequency data for this variant in the population databases is considered unreliable, as metrics indicate poor data quality at this position in the gnomAD database. This variant has not been reported in the literature in individuals affected with TH-related conditions. ClinVar contains an entry for this variant (Variation ID: 1481526). Algorithms developed to predict the effect of missense changes on protein structure and function output the following: SIFT: "Deleterious"; PolyPhen-2: "Benign"; Align-GVGD: "Class C0". The asparagine amino acid residue is found in multiple mammalian species, which suggests that this missense change does not adversely affect protein function. In summary, the available evidence is currently insufficient to determine the role of this variant in disease. Therefore, it has been classified as a Variant of Uncertain Significance.

Ambry Genetics
Classification: Uncertain significance for Inborn genetic diseases. Last evaluated: 2022-03-11. Review status: criteria provided, single submitter. Criteria: Ambry Variant Classification Scheme 2023. Collection method: clinical testing. Allele origin: germline.

NM_000360.4(TH):c.649G>A (p.Asp217Asn)

Gene: TH (tyrosine hydroxylase; minus strand). Cytogenetic location: 11p15.5.
Variant type: single nucleotide variant.
Coding change: c.649G>A on transcript NM_000360.4 (MANE Select); coding-DNA position 649, G replaced by A.
Protein change: p.Asp217Asn; replaces aspartic acid 217 with asparagine.
Molecular consequence: missense variant.
Genome position (GRCh38, 1-based): chr11:2,167,481, C>T on the plus strand (G>A on the coding strand, the complement: TH is on the minus strand). VCF-style: chr11-2167481-C-T. GRCh37 (hg19) VCF-style: chr11-2188711-C-T.
Other names: c.742G>A (NM_199292.2); c.742G>A, p.Asp248Asn (NM_199292.3); c.730G>A, p.Asp244Asn (NM_199293.3); short protein forms D244N, D248N, D217N.
Identifiers: ClinVar variation 1481526 (VCV001481526.5), dbSNP rs371488205, ClinGen allele CA216286145.